The following is an entry in ClinVar:

NM_004577.4(PSPH):c.149G>A (p.Arg50Gln)

Gene: PSPH (phosphoserine phosphatase; minus strand). Cytogenetic location: 7p11.2.
Variant type: single nucleotide variant.
Coding change: c.149G>A on transcript NM_004577.4 (MANE Select); coding-DNA position 149, G replaced by A.
Protein change: p.Arg50Gln; replaces arginine 50 with glutamine.
Molecular consequence: missense variant.
Genome position (GRCh38, 1-based): chr7:56,019,726, C>T on the plus strand (G>A on the coding strand, the complement: PSPH is on the minus strand). VCF-style: chr7-56019726-C-T. GRCh37 (hg19) VCF-style: chr7-56087419-C-T.
Other names: c.149G>A, p.Arg50Gln (NM_001370503.1, NM_001370504.1, NM_001370505.1 and 17 more transcripts); short protein forms R50Q.
Identifiers: ClinVar variation 360508 (VCV000360508.7), dbSNP rs554689284, ClinGen allele CA4268753.

ClinVar aggregate classification (germline): Conflicting classifications of pathogenicity. Review status: criteria provided, conflicting classifications (1 of 4 stars). 2 submissions from 2 submitters: Uncertain significance (1); Likely benign (1). Last evaluated 2026-05-01.

Conditions:
Deficiency of phosphoserine phosphatase (PSPHD). Also called: PSPH deficiency; Phosphoserine phosphatase deficiency. Identifiers: Orphanet 79350, MedGen C1291463, MONDO:0013531, OMIM 614023.

Allele frequency attached by ClinVar (database versions not stated): gnomAD exomes 0.00032 and 0.00016; ExAC 0.00035; 1000 Genomes Project 0.00040; gnomAD 0.00003 and 0.00010; 1000 Genomes Project 30x 0.00031.
gnomAD v4.1: 248 of 1,613,374 alleles (0.015%); highest among the groups gnomAD compares: South Asian, 0.24%; 1 homozygote.

Submissions (2):

CeGaT Center for Human Genetics Tuebingen
Classification: Likely benign. Last evaluated: 2026-05-01. Review status: criteria provided, single submitter. Criteria: CeGaT Center For Human Genetics Tuebingen Variant Classification Criteria Version 2. Collection method: clinical testing. Allele origin: germline. Affected: yes. Observed: 1 variant allele.
Comment: PSPH: BP4

Illumina Laboratory Services, Illumina
Classification: Uncertain significance for Deficiency of phosphoserine phosphatase. Last evaluated: 2018-01-13. Review status: criteria provided, single submitter. Criteria: ICSL Variant Classification Criteria 13 December 2019. Collection method: clinical testing. Allele origin: germline.